The following is an entry in ClinVar:

NM_001034853.2(RPGR):c.2863_2889del (p.Trp955_Glu963del)

Gene: RPGR (retinitis pigmentosa GTPase regulator; minus strand). Cytogenetic location: Xp11.4.
Variant type: Deletion.
Coding change: c.2863_2889del on transcript NM_001034853.2 (MANE Select); coding-DNA positions 2863 to 2889, 27 bases deleted (TGGGAGGGGGAAGAGGAGGAAGGAGAA).
Protein change: p.Trp955_Glu963del.
Molecular consequence: inframe deletion. On other transcripts: intron variant (8).
Genome position (GRCh38, 1-based): chrX:38,286,110-38,286,136, TTCTCCTTCCTCCTCTTCCCCCTCCCA deleted on the plus strand (TGGGAGGGGGAAGAGGAGGAAGGAGAA on the coding strand, the reverse complement: RPGR is on the minus strand); deleting any 27 consecutive bases within chrX:38,286,110-38,286,162 gives the same sequence; the c. name uses the placement nearest the transcript's 3' end. VCF-style (leftmost placement, unchanged base first): chrX-38286109-CTTCTCCTTCCTCCTCTTCCCCCTCCCA-C. GRCh37 (hg19) VCF-style: chrX-38145362-CTTCTCCTTCCTCCTCTTCCCCCTCCCA-C.
Other names: c.1569+4823_1569+4849del (NM_001367249.1, NM_001367250.1); c.1902+958_1902+984del (NM_001367245.1); c.1386+4823_1386+4849del (NM_001367251.1); c.1719+958_1719+984del (NM_001367246.1); c.1572+4823_1572+4849del (NM_001367247.1); c.1905+958_1905+984del (NM_000328.3); c.1602+4823_1602+4849del (NM_001367248.1).
Identifiers: ClinVar variation 4732316 (VCV004732316.2).
Genomic context (GRCh38, chrX:38,286,109, plus strand): 5'-CCTCTTCCCCCTCCCCTTCTCCTTCCTCCCCTTCCCCTTCTCCTTCCTCTTCCCCCTCCC[CTTCTCCTTCCTCCTCTTCCCCCTCCCA>C]TTCTCCTTCCTCCTCTTCCCCCTCCCCTTCTCCATCCTCCCCTTCCCCTTCTCCTTCCTC-3'

ClinVar aggregate classification (germline): Conflicting classifications of pathogenicity. Review status: criteria provided, conflicting classifications (1 of 4 stars). 2 submissions from 2 submitters: Uncertain significance (1); Likely benign (1). Last evaluated 2025-10-16.

Conditions:
Primary ciliary dyskinesia. Also called: Ciliary dyskinesia. Identifiers: Orphanet 244, MedGen C0008780, MONDO:0016575, HP:0012265.

Submissions (2):

Labcorp Genetics (formerly Invitae), Labcorp
Classification: Uncertain significance for Primary ciliary dyskinesia. Last evaluated: 2025-10-16. Review status: criteria provided, single submitter. Criteria: Invitae Variant Classification Sherloc (09022015). Collection method: clinical testing. Allele origin: germline.
Comment: This variant, c.2863_2889del, results in the deletion of 9 amino acid(s) of the RPGR (ORF15) protein (p.Trp955_Glu963del), but otherwise preserves the integrity of the reading frame. The frequency data for this variant in the population databases is considered unreliable, as metrics indicate poor data quality at this position in the gnomAD database. This variant has not been reported in the literature in individuals affected with RPGR (ORF15)-related conditions. Experimental studies and prediction algorithms are not available or were not evaluated, and the functional significance of this variant is currently unknown. In summary, the available evidence is currently insufficient to determine the role of this variant in disease. Therefore, it has been classified as a Variant of Uncertain Significance.

Blueprint Genetics
Classification: Likely benign. Last evaluated: 2023-09-15. Review status: criteria provided, single submitter. Criteria: ACMG Guidelines, 2015. Collection method: clinical testing. Allele origin: germline.